The following is an entry in ClinVar:

NM_001375567.1(FOCAD):c.176A>G (p.Asn59Ser)

Gene: FOCAD (focadhesin; plus strand). Cytogenetic location: 9p21.3.
Variant type: single nucleotide variant.
Coding change: c.176A>G on transcript NM_001375567.1 (MANE Select); coding-DNA position 176, A replaced by G.
Protein change: p.Asn59Ser; replaces asparagine 59 with serine.
Molecular consequence: missense variant.
Genome position (GRCh38, 1-based): chr9:20,720,423, A>G. VCF-style: chr9-20720423-A-G. GRCh37 (hg19) VCF-style: chr9-20720422-A-G.
Other names: c.176A>G, p.Asn59Ser (NM_001375568.1, NM_001375570.1, NM_017794.5); short protein forms N59S.
Identifiers: ClinVar variation 2485399 (VCV002485399.4), dbSNP rs764916026, ClinGen allele CA5006255.

ClinVar aggregate classification (germline): Uncertain significance. Review status: criteria provided, multiple submitters, no conflicts (2 of 4 stars). 2 submissions from 2 submitters: Uncertain significance (2). Last evaluated 2024-05-22.

Conditions:
Inborn genetic diseases. Identifiers: MedGen C0950123, MeSH D030342.

Allele frequency attached by ClinVar (database versions not stated): ExAC 0.00002; TOPMed 0.00002; gnomAD 0.00005.
gnomAD v4.1: 38 of 1,613,920 alleles (0.0024%); highest among the groups gnomAD compares: African/African-American, 0.0093%; no homozygotes.

Submissions (2):

Labcorp Genetics (formerly Invitae), Labcorp
Classification: Uncertain significance. Last evaluated: 2024-05-22. Review status: criteria provided, single submitter. Criteria: Invitae Variant Classification Sherloc (09022015). Collection method: clinical testing. Allele origin: germline.
Comment: This sequence change replaces asparagine, which is neutral and polar, with serine, which is neutral and polar, at codon 59 of the FOCAD protein (p.Asn59Ser). This variant is present in population databases (rs764916026, gnomAD 0.008%). This variant has not been reported in the literature in individuals affected with FOCAD-related conditions. ClinVar contains an entry for this variant (Variation ID: 2485399). Algorithms developed to predict the effect of missense changes on protein structure and function output the following: SIFT: "Not Available"; PolyPhen-2: "Not Available"; Align-GVGD: "Not Available". The serine amino acid residue is found in multiple mammalian species, which suggests that this missense change does not adversely affect protein function. In summary, the available evidence is currently insufficient to determine the role of this variant in disease. Therefore, it has been classified as a Variant of Uncertain Significance.

Ambry Genetics
Classification: Uncertain significance for Inborn genetic diseases. Last evaluated: 2023-02-15. Review status: criteria provided, single submitter. Criteria: Ambry Variant Classification Scheme 2023. Collection method: clinical testing. Allele origin: germline.